The following is an entry in ClinVar:

ClinVar aggregate classification (germline): Uncertain significance. Review status: criteria provided, multiple submitters, no conflicts (2 of 4 stars). 2 submissions from 2 submitters: Uncertain significance (2). Last evaluated 2023-08-07.

Allele frequency attached by ClinVar (database versions not stated): gnomAD 0.00001 and 0.00003; gnomAD exomes 0.00001 and 0.00003; ExAC 0.00003; TOPMed 0.00006; 1000 Genomes Project 30x 0.00031; 1000 Genomes Project 0.00040.
gnomAD v4.1: 12 of 1,614,058 alleles (0.00074%); highest among the groups gnomAD compares: East Asian, 0.025%; no homozygotes.

Submissions (2):

GeneDx
Classification: Uncertain significance. Last evaluated: 2023-08-07. Review status: criteria provided, single submitter. Criteria: GeneDx Variant Classification Process June 2021. Collection method: clinical testing. Allele origin: germline. Affected: yes.
Comment: In silico analysis supports that this missense variant does not alter protein structure/function; Observed in individual with retinopathy and optic atrophy in the published literature (Peragallo et al., 2018); This variant is associated with the following publications: (PMID: 34426522, 28820624)

Eurofins Ntd Llc (ga)
Classification: Uncertain significance. Last evaluated: 2015-07-21. Review status: criteria provided, single submitter. Criteria: EGL Classification Definitions 2015. Collection method: clinical testing. Allele origin: germline. Observed: 1 variant allele, 1 heterozygote.

NM_020745.4(AARS2):c.1519G>C (p.Val507Leu)

Gene: AARS2 (alanyl-tRNA synthetase 2, mitochondrial; minus strand). Cytogenetic location: 6p21.1.
Variant type: single nucleotide variant.
Coding change: c.1519G>C on transcript NM_020745.4 (MANE Select); coding-DNA position 1519, G replaced by C.
Protein change: p.Val507Leu; replaces valine 507 with leucine.
Molecular consequence: missense variant.
Genome position (GRCh38, 1-based): chr6:44,305,114, C>G on the plus strand (G>C on the coding strand, the complement: AARS2 is on the minus strand). VCF-style: chr6-44305114-C-G. GRCh37 (hg19) VCF-style: chr6-44272851-C-G.
Other names: c.1519G>C (NM_020745.2); short protein forms V507L.
Identifiers: ClinVar variation 281938 (VCV000281938.6), dbSNP rs182596701, ClinGen allele CA3834311.